The following is an entry in ClinVar:

NM_000732.6(CD3D):c.406+1G>T

Gene: CD3D (CD3 delta subunit of T-cell receptor complex; minus strand). Cytogenetic location: 11q23.3.
Variant type: single nucleotide variant.
Coding change: c.406+1G>T on transcript NM_000732.6 (MANE Select); the canonical splice donor site of the intron after coding-DNA position 406, G replaced by T.
Molecular consequence: splice donor variant. On other transcripts: intron variant (1).
Genome position (GRCh38, 1-based): chr11:118,339,774, C>A on the plus strand (G>T on the coding strand, the complement: CD3D is on the minus strand). VCF-style: chr11-118339774-C-A. GRCh37 (hg19) VCF-style: chr11-118210489-C-A.
Other names: c.275-280G>T (NM_001040651.2).
Identifiers: ClinVar variation 2810710 (VCV002810710.3), dbSNP rs2496870461, ClinGen allele CA382788024.

ClinVar aggregate classification (germline): Likely pathogenic (1 of 4 stars; one submission).

Conditions:
Immunodeficiency 19 (IMD19). Also called: CD3-DELTA DEFICIENCY; SEVERE COMBINED IMMUNODEFICIENCY, T CELL-NEGATIVE, B CELL-POSITIVE, NK CELL-POSITIVE; SCID, T CELL-NEGATIVE, B CELL-POSITIVE, NK CELL-POSITIVE; IMMUNODEFICIENCY 19, SEVERE COMBINED. Identifiers: MedGen C3810147, MONDO:0014280, OMIM 615617.

gnomAD v4.1: 1 of 1,613,780 alleles (0.000062%); highest among the groups gnomAD compares: Non-Finnish European, 0.000085%; no homozygotes.

Submission:

Labcorp Genetics (formerly Invitae), Labcorp
Classification: Likely pathogenic for Immunodeficiency 19. Last evaluated: 2023-08-24. Review status: criteria provided, single submitter. Criteria: Invitae Variant Classification Sherloc (09022015). Collection method: clinical testing. Allele origin: germline.
Comment: This sequence change affects a donor splice site in intron 3 of the CD3D gene. It is expected to disrupt RNA splicing. Variants that disrupt the donor or acceptor splice site typically lead to a loss of protein function (PMID: 16199547), and loss-of-function variants in CD3D are known to be pathogenic (PMID: 14602880, 15546002). In summary, the currently available evidence indicates that the variant is pathogenic, but additional data are needed to prove that conclusively. Therefore, this variant has been classified as Likely Pathogenic. Algorithms developed to predict the effect of sequence changes on RNA splicing suggest that this variant may disrupt the consensus splice site. This variant has not been reported in the literature in individuals affected with CD3D-related conditions. This variant is not present in population databases (gnomAD no frequency).

Literature cited by the submitters: PubMed 16199547; PubMed 14602880; PubMed 15546002.